The following is an entry in ClinVar:

ClinVar aggregate classification (germline): Likely benign (1 of 4 stars; one submission).

gnomAD v4.1: 3 of 1,551,714 alleles (0.00019%); highest among the groups gnomAD compares: Middle Eastern, 0.033%; no homozygotes.

Submission:

CeGaT Center for Human Genetics Tuebingen
Classification: Likely benign. Last evaluated: 2023-09-01. Review status: criteria provided, single submitter. Criteria: CeGaT Center For Human Genetics Tuebingen Variant Classification Criteria Version 2. Collection method: clinical testing. Allele origin: germline. Affected: yes. Observed: 1 variant allele.
Comment: SHANK2: BP4, BP7

NM_012309.5(SHANK2):c.432G>A (p.Val144=)

Gene: SHANK2 (SH3 and multiple ankyrin repeat domains 2; minus strand). Cytogenetic location: 11q13.4.
Variant type: single nucleotide variant.
Coding change: c.432G>A on transcript NM_012309.5 (MANE Select); coding-DNA position 432, G replaced by A.
Protein change: p.Val144=; no amino-acid change (valine 144 retained).
Molecular consequence: synonymous variant.
Genome position (GRCh38, 1-based): chr11:71,113,344, C>T on the plus strand (G>A on the coding strand, the complement: SHANK2 is on the minus strand). VCF-style: chr11-71113344-C-T. GRCh37 (hg19) VCF-style: chr11-70824390-C-T.
Identifiers: ClinVar variation 2642103 (VCV002642103.24), dbSNP rs1178624034, ClinGen allele CA475815712.